The following is an entry in ClinVar:

ClinVar aggregate classification (germline): Uncertain significance (1 of 4 stars; one submission).

Allele frequency attached by ClinVar (database versions not stated): ExAC 0.00002.

Submission:

Labcorp Genetics (formerly Invitae), Labcorp
Classification: Uncertain significance. Last evaluated: 2021-12-14. Review status: criteria provided, single submitter. Criteria: Invitae Variant Classification Sherloc (09022015). Collection method: clinical testing. Allele origin: germline.
Comment: In summary, the available evidence is currently insufficient to determine the role of this variant in disease. Therefore, it has been classified as a Variant of Uncertain Significance. Algorithms developed to predict the effect of missense changes on protein structure and function (SIFT, PolyPhen-2, Align-GVGD) all suggest that this variant is likely to be disruptive. This variant has not been reported in the literature in individuals affected with KISS1-related conditions. The frequency data for this variant in the population databases is considered unreliable, as metrics indicate poor data quality at this position in the gnomAD database. This sequence change replaces glycine, which is neutral and non-polar, with aspartic acid, which is acidic and polar, at codon 85 of the KISS1 protein (p.Gly85Asp).

NM_002256.4(KISS1):c.254G>A (p.Gly85Asp)

Gene: KISS1 (KiSS-1 metastasis suppressor; minus strand). Cytogenetic location: 1q32.1.
Variant type: single nucleotide variant.
Coding change: c.254G>A on transcript NM_002256.4 (MANE Select); coding-DNA position 254, G replaced by A.
Protein change: p.Gly85Asp; replaces glycine 85 with aspartic acid.
Molecular consequence: missense variant.
Genome position (GRCh38, 1-based): chr1:204,190,647, C>T on the plus strand (G>A on the coding strand, the complement: KISS1 is on the minus strand). VCF-style: chr1-204190647-C-T. GRCh37 (hg19) VCF-style: chr1-204159775-C-T.
Other names: short protein forms G85D.
Identifiers: ClinVar variation 2120171 (VCV002120171.4), dbSNP rs754159096, ClinGen allele CA1345148.